The following is an entry in ClinVar:

NM_001083116.3(PRF1):c.1365C>A (p.Asp455Glu)

Gene: PRF1 (perforin 1; minus strand). Cytogenetic location: 10q22.1.
Variant type: single nucleotide variant.
Coding change: c.1365C>A on transcript NM_001083116.3 (MANE Select); coding-DNA position 1365, C replaced by A.
Protein change: p.Asp455Glu; replaces aspartic acid 455 with glutamic acid.
Molecular consequence: missense variant.
Genome position (GRCh38, 1-based): chr10:70,598,356, G>T on the plus strand (C>A on the coding strand, the complement: PRF1 is on the minus strand). VCF-style: chr10-70598356-G-T. GRCh37 (hg19) VCF-style: chr10-72358112-G-T.
Other names: c.1365C>A, p.Asp455Glu (NM_005041.6); c.1365C>A (NM_001083116.1); short protein forms D455E.
Identifiers: ClinVar variation 1399378 (VCV001399378.6), dbSNP rs777094015, ClinGen allele CA5538761.

ClinVar aggregate classification (germline): Uncertain significance. Review status: criteria provided, multiple submitters, no conflicts (2 of 4 stars). 2 submissions from 2 submitters: Uncertain significance (2). Last evaluated 2022-10-05.

Conditions:
Familial hemophagocytic lymphohistiocytosis 2 (FHL2). Also called: PRF1-Related Familial Hemophagocytic Lymphohistiocytosis (PRF1-fHLH). Identifiers: Orphanet 540, MedGen C1863727, MONDO:0011337, OMIM 603553.
Inborn genetic diseases. Identifiers: MedGen C0950123, MeSH D030342.

Allele frequency attached by ClinVar (database versions not stated): ExAC 0.00006; gnomAD 0.00001; gnomAD exomes 0.00004.

Submissions (2):

Labcorp Genetics (formerly Invitae), Labcorp
Classification: Uncertain significance for Familial hemophagocytic lymphohistiocytosis 2. Last evaluated: 2022-10-05. Review status: criteria provided, single submitter. Criteria: Invitae Variant Classification Sherloc (09022015). Collection method: clinical testing. Allele origin: germline.
Comment: This sequence change replaces aspartic acid, which is acidic and polar, with glutamic acid, which is acidic and polar, at codon 455 of the PRF1 protein (p.Asp455Glu). This variant is present in population databases (rs777094015, gnomAD 0.03%). This variant has not been reported in the literature in individuals affected with PRF1-related conditions. ClinVar contains an entry for this variant (Variation ID: 1399378). Advanced modeling of protein sequence and biophysical properties (such as structural, functional, and spatial information, amino acid conservation, physicochemical variation, residue mobility, and thermodynamic stability) has been performed at Invitae for this missense variant, however the output from this modeling did not meet the statistical confidence thresholds required to predict the impact of this variant on PRF1 protein function. In summary, the available evidence is currently insufficient to determine the role of this variant in disease. Therefore, it has been classified as a Variant of Uncertain Significance.

Ambry Genetics
Classification: Uncertain significance for Inborn genetic diseases. Last evaluated: 2022-01-10. Review status: criteria provided, single submitter. Criteria: Ambry Variant Classification Scheme 2023. Collection method: clinical testing. Allele origin: germline.